The following is an entry in ClinVar:

NM_001379659.1(ZNF142):c.3787dup (p.Gln1263fs)

Gene: ZNF142 (zinc finger protein 142; minus strand). Cytogenetic location: 2q35.
Variant type: Duplication.
Coding change: c.3787dup on transcript NM_001379659.1 (MANE Select); coding-DNA position 3787, one base duplicated (C; older notation c.3787dupC).
Protein change: p.Gln1263fs; shifts the reading frame from glutamine 1263.
Molecular consequence: frameshift variant.
Genome position (GRCh38, 1-based): chr2:218,643,329, G duplicated on the plus strand (C on the coding strand, the reverse complement: ZNF142 is on the minus strand); the first of 6 consecutive G bases (chr2:218,643,329-218,643,334); duplicating any one gives the same sequence. VCF-style (leftmost placement, unchanged base first): chr2-218643328-T-TG. GRCh37 (hg19) VCF-style: chr2-219508051-T-TG.
Other names: c.3182dup, p.Gln1063Profs (NM_001105537.5, NM_001366291.3); c.2693dup, p.Gln900Profs (NM_001366287.3, NM_001366288.3, NM_001366289.3); c.3787dup, p.Gln1263fs (NM_001366290.3, NM_001379660.1, NM_001379661.1); c.3187dup, p.Gln1063fs (NM_001379662.1); short protein forms Q1063fs, Q1263fs, Q900fs.
Identifiers: ClinVar variation 1342648 (VCV001342648.2), dbSNP rs750239776, ClinGen allele CA2108914.

ClinVar aggregate classification (germline): Likely pathogenic. Review status: criteria provided, multiple submitters, no conflicts (2 of 4 stars). 2 submissions from 2 submitters: Likely pathogenic (2). Last evaluated 2021-02-26.

Conditions:
Neurodevelopmental disorder with impaired speech and hyperkinetic movements. Identifiers: MedGen C5193088, MONDO:0032741, OMIM 618425.

Submissions (2):

New York Genome Center
Classification: Likely pathogenic for Neurodevelopmental disorder with impaired speech and hyperkinetic movements. Last evaluated: 2021-02-26. Review status: criteria provided, single submitter. Criteria: NYGC Assertion Criteria 2020. Collection method: clinical testing. Allele origin: inherited. Observed: 1 heterozygote. Study: CSER-NYCKidSeq.

Juno Genomics, Hangzhou Juno Genomics, Inc
Classification: Likely pathogenic for Neurodevelopmental disorder with impaired speech and hyperkinetic movements. Review status: criteria provided, single submitter. Criteria: ACMG Guidelines, 2015. Collection method: clinical testing. Allele origin: germline. Affected: yes.
Comment: Absent from controls (or at extremely low frequency if recessive) in Genome Aggregation Database, Exome Sequencing Project, 1000 Genomes Project, or Exome Aggregation Consortium.;Null variant in a gene where loss of function (LOF) is a known mechanism of disease.